The following is an entry in ClinVar:

NM_000465.4(BARD1):c.1421T>C (p.Leu474Pro)

Gene: BARD1 (BRCA1 associated RING domain 1; minus strand). Cytogenetic location: 2q35.
Variant type: single nucleotide variant.
Coding change: c.1421T>C on transcript NM_000465.4 (MANE Select); coding-DNA position 1421, T replaced by C.
Protein change: p.Leu474Pro; replaces leucine 474 with proline.
Molecular consequence: missense variant. On other transcripts: non-coding transcript variant (3), intron variant (3).
Genome position (GRCh38, 1-based): chr2:214,767,629, A>G on the plus strand (T>C on the coding strand, the complement: BARD1 is on the minus strand). VCF-style: chr2-214767629-A-G. GRCh37 (hg19) VCF-style: chr2-215632353-A-G.
Other names: c.1421T>C (NM_000465.2); c.1364T>C, p.Leu455Pro (NM_001282543.2); c.159-15074T>C (NM_001282548.2); c.216-15074T>C (NM_001282545.2); c.364+24668T>C (NM_001282549.2); short protein forms L455P, L474P.
Identifiers: ClinVar variation 1064255 (VCV001064255.11), dbSNP rs2106077115, ClinGen allele CA350448689.
Genomic context (GRCh38, chr2:214,767,629, plus strand): 5'-TTTTGATACCCGGTGGTGTTCACCAATGCCTTATGCTGGAGCAATAATTCCACTACCTTC[A>G]GGTGCCCATGATTGCAAGCTTCATGCTAATTAAATTTTTTGAAAAAGAAGTGAAAGAAGT-3'
Protein context (NP_000456.2, residues 464-484): PLHEACNHGH[Leu474Pro]KVVELLLQHK

ClinVar aggregate classification (germline): Uncertain significance. Review status: criteria provided, multiple submitters, no conflicts (2 of 4 stars). 2 submissions from 2 submitters: Uncertain significance (2). Last evaluated 2024-09-23.

Conditions:
Hereditary cancer-predisposing syndrome. Also called: Hereditary Cancer Syndrome; Hereditary neoplastic syndrome; Neoplastic Syndromes, Hereditary; Tumor predisposition. Identifiers: Orphanet 140162, MedGen C0027672, MeSH D009386, MONDO:0015356.
Familial cancer of breast. Also called: hereditary breast carcinoma; Hereditary breast cancer; BREAST CANCER, FAMILIAL. Identifiers: Orphanet 227535, MedGen C0346153, MONDO:0016419, OMIM 114480. Disease mechanism: loss of function.

Submissions (2):

Ambry Genetics
Classification: Uncertain significance for Hereditary cancer-predisposing syndrome. Last evaluated: 2024-09-23. Review status: criteria provided, single submitter. Criteria: Ambry Variant Classification Scheme 2023. Collection method: clinical testing. Allele origin: germline.
Comment: The p.L474P variant (also known as c.1421T>C), located in coding exon 6 of the BARD1 gene, results from a T to C substitution at nucleotide position 1421. The leucine at codon 474 is replaced by proline, an amino acid with similar properties. This amino acid position is conserved. In addition, this alteration is predicted to be deleterious by in silico analysis. Based on the available evidence, the clinical significance of this variant remains unclear.

Labcorp Genetics (formerly Invitae), Labcorp
Classification: Uncertain significance for Familial cancer of breast. Last evaluated: 2024-06-02. Review status: criteria provided, single submitter. Criteria: Invitae Variant Classification Sherloc (09022015). Collection method: clinical testing. Allele origin: germline.
Comment: This sequence change replaces leucine, which is neutral and non-polar, with proline, which is neutral and non-polar, at codon 474 of the BARD1 protein (p.Leu474Pro). This variant is not present in population databases (gnomAD no frequency). This variant has not been reported in the literature in individuals affected with BARD1-related conditions. ClinVar contains an entry for this variant (Variation ID: 1064255). An algorithm developed to predict the effect of missense changes on protein structure and function (PolyPhen-2) suggests that this variant is likely to be disruptive. In summary, the available evidence is currently insufficient to determine the role of this variant in disease. Therefore, it has been classified as a Variant of Uncertain Significance.